The following is an entry in ClinVar:

NM_000059.4(BRCA2):c.4563_4564del (p.Leu1522fs)

Gene: BRCA2 (BRCA2 DNA repair associated; plus strand). Cytogenetic location: 13q13.1.
Variant type: Deletion.
Coding change: c.4563_4564del on transcript NM_000059.4 (MANE Select); coding-DNA positions 4563 to 4564, 2 bases deleted (AT; older notation c.4563_4564delAT).
Protein change: p.Leu1522fs; shifts the reading frame from leucine 1522.
Molecular consequence: frameshift variant.
Genome position (GRCh38, 1-based): chr13:32,338,918-32,338,919, AT deleted; deleting any 2 consecutive bases within chr13:32,338,917-32,338,919 gives the same sequence; the c. name uses the placement nearest the transcript's 3' end. VCF-style (leftmost placement, unchanged base first): chr13-32338916-CTA-C. GRCh37 (hg19) VCF-style: chr13-32913053-CTA-C.
Other names: 4791delGT; c.4563_4564delAT (NM_000059.3).
Identifiers: ClinVar variation 126049 (VCV000126049.21), dbSNP rs483353115, ClinGen allele CA020451.

ClinVar aggregate classification (germline): Pathogenic. Review status: reviewed by expert panel (3 of 4 stars). 6 submissions from 6 submitters: Pathogenic (1). 5 of the submissions do not count toward it. Last evaluated 2016-09-08.

Conditions:
Hereditary cancer-predisposing syndrome. Also called: Tumor predisposition; Hereditary neoplastic syndrome; Neoplastic Syndromes, Hereditary; Hereditary Cancer Syndrome. Identifiers: Orphanet 140162, MedGen C0027672, MeSH D009386, MONDO:0015356.
Hereditary breast ovarian cancer syndrome. Also called: Hereditary breast and ovarian cancer syndrome; Hereditary breast and ovarian cancer syndrome (HBOC); Breast and ovarian cancer; BRCA1- and BRCA2-Associated Hereditary Breast and Ovarian Cancer; Hereditary breast and ovarian cancer; Hereditary breast and/or ovarian cancer syndrome. Identifiers: Orphanet 145, MedGen C0677776, MeSH D061325, MONDO:0003582. Disease mechanism: loss of function.
Breast-ovarian cancer, familial, susceptibility to, 2 (BROVCA2). Also called: BRCA2 Hereditary Breast and Ovarian Cancer. Identifiers: Orphanet 145, MedGen C2675520, MONDO:0012933, OMIM 612555. Disease mechanism: loss of function.
BRCA2-related disorder. Also called: BRCA2-related condition; BRCA2-related disorders. Identifiers: MedGen CN239275.

Submissions (6):

Evidence-based Network for the Interpretation of Germline Mutant Alleles (ENIGMA)
Classification: Pathogenic for Breast-ovarian cancer, familial, susceptibility to, 2. Last evaluated: 2016-09-08. Review status: reviewed by expert panel. Criteria: ENIGMA BRCA1/2 Classification Criteria (2015). Collection method: curation. Allele origin: germline.
Comment: Variant allele predicted to encode a truncated non-functional protein.

Blueprint Genetics
Classification: Pathogenic for BRCA2-related disorders. Last evaluated: 2024-08-02. Review status: criteria provided, single submitter. Criteria: ACMG Guidelines, 2015. Collection method: clinical testing. Allele origin: germline. Affected: yes. Observed: 2 variant alleles. Not counted in ClinVar's aggregate classification.

Labcorp Genetics (formerly Invitae), Labcorp
Classification: Pathogenic for Hereditary breast ovarian cancer syndrome. Last evaluated: 2024-04-27. Review status: criteria provided, single submitter. Criteria: Invitae Variant Classification Sherloc (09022015). Collection method: clinical testing. Allele origin: germline. Not counted in ClinVar's aggregate classification.
Comment: This sequence change creates a premature translational stop signal (p.Leu1522Glyfs*6) in the BRCA2 gene. It is expected to result in an absent or disrupted protein product. Loss-of-function variants in BRCA2 are known to be pathogenic (PMID: 20104584). This variant is present in population databases (rs778693075, gnomAD 0.003%). This premature translational stop signal has been observed in individual(s) with breast and ovarian cancers (PMID: 19353265, 28724667, 28831036). This variant is also known as c.4563_4564delGT, c.4562_4563del, and p.L1521fs. ClinVar contains an entry for this variant (Variation ID: 126049). For these reasons, this variant has been classified as Pathogenic.

Ambry Genetics
Classification: Pathogenic for Hereditary cancer-predisposing syndrome. Last evaluated: 2016-10-24. Review status: criteria provided, single submitter. Criteria: Ambry Variant Classification Scheme 2023. Collection method: clinical testing. Allele origin: germline. Not counted in ClinVar's aggregate classification.
Comment: The c.4563_4564delAT pathogenic mutation, located in coding exon 10 of the BRCA2 gene, results from a deletion of two nucleotides at nucleotide positions 4563 to 4564, causing a translational frameshift with a predicted alternate stop codon (p.L1522Gfs*6). This alteration is expected to result in loss of function by premature protein truncation or nonsense-mediated mRNA decay. As such, this alteration is interpreted as a disease-causing mutation.

Consortium of Investigators of Modifiers of BRCA1/2 (CIMBA), c/o University of Cambridge
Classification: Pathogenic for Breast-ovarian cancer, familial, susceptibility to, 2. Last evaluated: 2015-10-02. Review status: criteria provided, single submitter. Criteria: CIMBA Mutation Classification guidelines May 2016. Collection method: clinical testing. Allele origin: germline. Not counted in ClinVar's aggregate classification.

Breast Cancer Information Core (BIC) (BRCA2)
Classification: Pathogenic for Breast-ovarian cancer, familial 2. Last evaluated: 2013-02-20. Review status: no assertion criteria provided. Collection method: clinical testing. Allele origin: somatic. Affected: yes. Observed: 1 variant allele. Not counted in ClinVar's aggregate classification.

Literature cited by the submitters: PubMed 20104584 (cited by Labcorp Genetics (formerly Invitae), Labcorp); PubMed 19353265 (cited by Labcorp Genetics (formerly Invitae), Labcorp); PubMed 28724667 (cited by Labcorp Genetics (formerly Invitae), Labcorp); PubMed 28831036 (cited by Labcorp Genetics (formerly Invitae), Labcorp).